The following is an entry in ClinVar:

ClinVar aggregate classification (germline): Likely benign (1 of 4 stars; one submission).

Submission:

CeGaT Center for Human Genetics Tuebingen
Classification: Likely benign. Last evaluated: 2026-06-01. Review status: criteria provided, single submitter. Criteria: CeGaT Center For Human Genetics Tuebingen Variant Classification Criteria Version 2. Collection method: clinical testing. Allele origin: germline. Affected: yes. Observed: 4 variant alleles.
Comment: MRPL9: BP4, BS2

NM_031420.4(MRPL9):c.589-17_589-5dup

Gene: MRPL9 (mitochondrial ribosomal protein L9; minus strand). Cytogenetic location: 1q21.3.
Variant type: Duplication.
Coding change: c.589-17_589-5dup on transcript NM_031420.4 (MANE Select); 17 bases into the intron before coding-DNA position 589 through 5 bases into the intron before coding-DNA position 589, 13 bases duplicated (TTTTTTTTTTTTT).
Molecular consequence: intron variant.
Genome position (GRCh38, 1-based): chr1:151,760,904-151,760,916, AAAAAAAAAAAAA duplicated on the plus strand (TTTTTTTTTTTTT on the coding strand, the reverse complement: MRPL9 is on the minus strand); duplicating any 13 consecutive bases within chr1:151,760,904-151,760,926 gives the same sequence; the c. name uses the placement nearest the transcript's 3' end. VCF-style (leftmost placement, unchanged base first): chr1-151760903-C-CAAAAAAAAAAAAA. GRCh37 (hg19) VCF-style: chr1-151733379-C-CAAAAAAAAAAAAA.
Other names: c.487-17_487-5dup (NM_001300733.2).
Identifiers: ClinVar variation 3770390 (VCV003770390.13).
Genomic context (GRCh38, chr1:151,760,903, plus strand): 5'-CCGTGTGATAGGCTCTTCTGGTAACTTTAATGTATGTGGGGCAACCACAACACCAAGCTG[C>CAAAAAAAAAAAAA]AAAAAAAAAAAAAAAAAAAAAAATCTCAGCTCAAATGAACTCTGTTTTCATGACTGCCAC-3'